The following is an entry in ClinVar:

NM_001384732.1(CPLANE1):c.5978+122_5978+123insAAT

Gene: CPLANE1 (ciliogenesis and planar polarity effector complex subunit 1; minus strand). Cytogenetic location: 5p13.2.
Variant type: Insertion.
Coding change: c.5978+122_5978+123insAAT on transcript NM_001384732.1 (MANE Select); bases 122 to 123 of the intron after coding-DNA position 5978, AAT inserted.
Molecular consequence: intron variant.
Genome position: GRCh38 VCF-style: chr5-37175786-T-TTTA. GRCh37 (hg19) VCF-style: chr5-37175888-T-TTTA.
Other names: c.5978+122_5978+123insAAT (NM_023073.4).
Identifiers: ClinVar variation 680158 (VCV000680158.1), dbSNP rs113860910, ClinGen allele CA117064284.

ClinVar aggregate classification (germline): Benign (1 of 4 stars; one submission).

Submission:

GeneDx
Classification: Benign. Last evaluated: 2018-06-19. Review status: criteria provided, single submitter. Criteria: GeneDx Variant Classification (06012015). Collection method: clinical testing. Allele origin: germline. Affected: yes.
Comment: This variant is considered likely benign or benign based on one or more of the following criteria: it is a conservative change, it occurs at a poorly conserved position in the protein, it is predicted to be benign by multiple in silico algorithms, and/or has population frequency not consistent with disease.